The following is an entry in ClinVar:

NM_006302.3(MOGS):c.11G>C (p.Gly4Ala)

Gene: MOGS (mannosyl-oligosaccharide glucosidase; minus strand). Cytogenetic location: 2p13.1.
Variant type: single nucleotide variant.
Coding change: c.11G>C on transcript NM_006302.3 (MANE Select); coding-DNA position 11, G replaced by C.
Protein change: p.Gly4Ala; replaces glycine 4 with alanine.
Molecular consequence: missense variant. On other transcripts: intron variant (1).
Genome position (GRCh38, 1-based): chr2:74,465,237, C>G on the plus strand (G>C on the coding strand, the complement: MOGS is on the minus strand). VCF-style: chr2-74465237-C-G. GRCh37 (hg19) VCF-style: chr2-74692364-C-G.
Other names: c.-59+77G>C (NM_001146158.2); short protein forms G4A.
Identifiers: ClinVar variation 935104 (VCV000935104.10), dbSNP rs1190367079, ClinGen allele CA347383911.

ClinVar aggregate classification (germline): Uncertain significance (1 of 4 stars; one submission).

Conditions:
MOGS-congenital disorder of glycosylation. Also called: CDG IIb; CDG 2B; GLUCOSIDASE I DEFICIENCY; MOGS-CDG. Identifiers: Orphanet 79330, MedGen C1853736, MONDO:0011629, OMIM 606056.

Submission:

Labcorp Genetics (formerly Invitae), Labcorp
Classification: Uncertain significance for MOGS-congenital disorder of glycosylation. Last evaluated: 2019-05-30. Review status: criteria provided, single submitter. Criteria: Invitae Variant Classification Sherloc (09022015). Collection method: clinical testing. Allele origin: germline.
Comment: In summary, the available evidence is currently insufficient to determine the role of this variant in disease. Therefore, it has been classified as a Variant of Uncertain Significance. Algorithms developed to predict the effect of missense changes on protein structure and function are either unavailable or do not agree on the potential impact of this missense change (SIFT: "Tolerated"; PolyPhen-2: "Probably Damaging"; Align-GVGD: "Class C0"). This variant has not been reported in the literature in individuals with MOGS-related conditions. The frequency data for this variant in the population databases is considered unreliable, as metrics indicate insufficient coverage at this position in the ExAC database. This sequence change replaces glycine with alanine at codon 4 of the MOGS protein (p.Gly4Ala). The glycine residue is moderately conserved and there is a small physicochemical difference between glycine and alanine.